The following is an entry in ClinVar:

ClinVar aggregate classification (germline): Uncertain significance (1 of 4 stars; one submission).

Conditions:
Intellectual developmental disorder 61. Also called: INTELLECTUAL DEVELOPMENTAL DISORDER, AUTOSOMAL DOMINANT 61; MENTAL RETARDATION, AUTOSOMAL DOMINANT 61. Identifiers: MedGen C5231400, MONDO:0032485, OMIM 618009.

gnomAD v4.1: 10 of 1,612,164 alleles (0.00062%); highest among the groups gnomAD compares: Non-Finnish European, 0.00085%; no homozygotes.

Submission:

Clinical Genomics Laboratory, Washington University in St. Louis
Classification: Uncertain significance for Intellectual developmental disorder 61. Last evaluated: 2026-02-16. Review status: criteria provided, single submitter. Criteria: ACMG Guidelines, 2015. Collection method: clinical testing. Allele origin: germline.
Comment: The MED13 c.6273G>T (p.Gln2091His) variant, to our knowledge, has not been reported in the medical literature and is absent from the general population (gnomAD v2.1.1), indicating it is not a common variant. Computational predictors are uncertain as to the impact of this variant on MED13 function. Due to limited information, and based on ACMG/AMP guidelines for variant interpretation (Richards S et al., PMID: 25741868), the clinical significance of this variant is uncertain at this time.

NM_005121.3(MED13):c.6273G>T (p.Gln2091His)

Gene: MED13 (mediator complex subunit 13; minus strand). Cytogenetic location: 17q23.2.
Variant type: single nucleotide variant.
Coding change: c.6273G>T on transcript NM_005121.3 (MANE Select); coding-DNA position 6273, G replaced by T.
Protein change: p.Gln2091His; replaces glutamine 2091 with histidine.
Molecular consequence: missense variant.
Genome position (GRCh38, 1-based): chr17:61,950,843, C>A on the plus strand (G>T on the coding strand, the complement: MED13 is on the minus strand). VCF-style: chr17-61950843-C-A. GRCh37 (hg19) VCF-style: chr17-60028204-C-A.
Other names: short protein forms Q2091H.
Identifiers: ClinVar variation 4879232 (VCV004879232.1).